The following is an entry in ClinVar:

NM_206828.4(NLRP7):c.*180G>C

Genes: NCR1 (natural cytotoxicity triggering receptor 1), NLRP7 (NLR family pyrin domain containing 7; minus strand). Cytogenetic location: 19q13.42.
Variant type: single nucleotide variant.
Coding change: c.*180G>C on transcript NM_206828.4; 180 bases downstream of the stop codon, G replaced by C.
Genome position (GRCh38, 1-based): chr19:54,923,560, C>G on the plus strand (G>C on the coding strand, the complement: NLRP7 is on the minus strand). VCF-style: chr19-54923560-C-G. GRCh37 (hg19) VCF-style: chr19-55434928-C-G.
Other names: c.*180G>C (NM_001127255.2, NM_001405531.1, NM_139176.4).
Identifiers: ClinVar variation 330153 (VCV000330153.9), dbSNP rs775865, ClinGen allele CA310001647.

ClinVar aggregate classification (germline): Likely benign. Review status: criteria provided, multiple submitters, no conflicts (2 of 4 stars). 2 submissions from 2 submitters: Likely benign (2). Last evaluated 2018-01-12.

Conditions:
Hydatidiform mole, recurrent, 1 (HYDM1). Identifiers: Orphanet 254688, Orphanet 99927, MedGen C3463897, MONDO:0009273, OMIM 231090. Disease mechanism: loss of function.

Allele frequency attached by ClinVar (database versions not stated): gnomAD 0.02297 and 0.02454; TOPMed 0.02671; 1000 Genomes Project 30x 0.02873; 1000 Genomes Project 0.02636.
gnomAD v4.1: 5,356 of 710,168 alleles (0.75%); highest among the groups gnomAD compares: African/African-American, 7.8%; 167 homozygotes.

Submissions (2):

Illumina Laboratory Services, Illumina
Classification: Likely benign for Hydatidiform mole, recurrent, 1. Last evaluated: 2018-01-12. Review status: criteria provided, single submitter. Criteria: ICSL Variant Classification Criteria 13 December 2019. Collection method: clinical testing. Allele origin: germline.
Comment: This variant was observed in the ICSL laboratory as part of a predisposition screen in an ostensibly healthy population. It had not been previously curated by ICSL or reported in the Human Gene Mutation Database (HGMD: prior to June 1st, 2018), and was therefore a candidate for classification through an automated scoring system. Utilizing variant allele frequency, disease prevalence and penetrance estimates, and inheritance mode, an automated score was calculated to assess if this variant is too frequent to cause the disease. Based on the score and internal cut-off values, a variant classified as likely benign is not then subjected to further curation. The score for this variant resulted in a classification of likely benign for this disease.

Breakthrough Genomics
Classification: Likely benign. Review status: criteria provided, single submitter. Criteria: ACMG Guidelines, 2015. Collection method: not provided. Allele origin: germline. Inheritance: Autosomal recessive inheritance. Affected: yes.